The following is an entry in ClinVar:

ClinVar aggregate classification (germline): Uncertain significance (1 of 4 stars; one submission).

Conditions:
Myeloproliferative neoplasm. Identifiers: Orphanet 98274, MedGen C1292778, MONDO:0020076.

Submission:

Dept of Medical Biology, Uskudar University
Classification: Uncertain significance for Myeloproliferative neoplasm. Last evaluated: 2026-09-16. Review status: criteria provided, single submitter. Criteria: Dept of Medical Biology Variant Classification. Collection method: research. Allele origin: unknown. Affected: yes. Observed: 1 variant allele.
Comment: Variant in the CALR promoter: c.-238C>T relative to the A of the NM_004343.4 translation start codon, upstream of the annotated transcription start (c.-71) and therefore described by genomic coordinates, NC_000019.10:g.12938442C>T. PM2_supporting: rare in gnomAD v4.1 (one allele in exomes; 2.3e-06). No functional or segregation data are available. Classified as uncertain significance under the ACMG/AMP 2015 guidelines (PMID:25741868). Detected in a retrospective series of 256 BCR::ABL1-negative and JAK2 V617F-negative patients referred for molecular investigation of a suspected myeloproliferative neoplasm (May 2007 to January 2015) and re-interpreted under the ACMG/AMP 2015 criteria.

NC_000019.10:g.12938442C>T

Genes: CALR (calreticulin; plus strand), LOC117125596 (CRISPRi-FlowFISH-validated RAD23A regulatory element 2; plus strand). Cytogenetic location: 19p13.13.
Variant type: single nucleotide variant.
Genome position: GRCh38 VCF-style: chr19-12938442-C-T. GRCh37 (hg19) VCF-style: chr19-13049256-C-T.
Other names: CALR c.-238C>T.
Identifiers: ClinVar variation 5036698 (VCV005036698.1).